The following is an entry in ClinVar:

NM_000057.4(BLM):c.2689T>C (p.Ser897Pro)

Gene: BLM (BLM RecQ like helicase; plus strand). Cytogenetic location: 15q26.1.
Variant type: single nucleotide variant.
Coding change: c.2689T>C on transcript NM_000057.4 (MANE Select); coding-DNA position 2689, T replaced by C.
Protein change: p.Ser897Pro; replaces serine 897 with proline.
Molecular consequence: missense variant.
Genome position (GRCh38, 1-based): chr15:90,784,947, T>C. VCF-style: chr15-90784947-T-C. GRCh37 (hg19) VCF-style: chr15-91328177-T-C.
Other names: c.2689T>C, p.Ser897Pro (NM_001287246.2, NM_001287247.2); c.1564T>C, p.Ser522Pro (NM_001287248.2); short protein forms S522P, S897P.
Identifiers: ClinVar variation 1020018 (VCV001020018.12), dbSNP rs1896706876, ClinGen allele CA393845900.
Genomic context (GRCh38, chr15:90,784,947, plus strand): 5'-TTCTTGTTTCTCAGTACTCTTGGTTTCTTGGCAGATGATTCAGGGATAATTTACTGCCTC[T>C]CCAGGCGAGAATGTGACACCATGGCTGACACGTTACAGAGAGATGGGCTCGCTGCTCTTG-3'
Protein context (NP_000048.1, residues 887-907): PYDSGIIYCL[Ser897Pro]RRECDTMADT

ClinVar aggregate classification (germline): Uncertain significance. Review status: criteria provided, multiple submitters, no conflicts (2 of 4 stars). 2 submissions from 2 submitters: Uncertain significance (2). Last evaluated 2024-07-11.

Conditions:
Hereditary cancer-predisposing syndrome. Also called: Tumor predisposition; Neoplastic Syndromes, Hereditary; Hereditary neoplastic syndrome; Hereditary Cancer Syndrome. Identifiers: Orphanet 140162, MedGen C0027672, MeSH D009386, MONDO:0015356.
Bloom syndrome (BLM). Also called: Bloom-Torre-Machacek syndrome. Identifiers: Orphanet 125, MedGen C0005859, MONDO:0008876, OMIM 210900.

Submissions (2):

Labcorp Genetics (formerly Invitae), Labcorp
Classification: Uncertain significance for Bloom syndrome. Last evaluated: 2024-07-11. Review status: criteria provided, single submitter. Criteria: Invitae Variant Classification Sherloc (09022015). Collection method: clinical testing. Allele origin: germline.
Comment: This sequence change replaces serine, which is neutral and polar, with proline, which is neutral and non-polar, at codon 897 of the BLM protein (p.Ser897Pro). This variant is not present in population databases (gnomAD no frequency). This variant has not been reported in the literature in individuals affected with BLM-related conditions. ClinVar contains an entry for this variant (Variation ID: 1020018). Advanced modeling of protein sequence and biophysical properties (such as structural, functional, and spatial information, amino acid conservation, physicochemical variation, residue mobility, and thermodynamic stability) performed at Invitae indicates that this missense variant is expected to disrupt BLM protein function with a positive predictive value of 80%. In summary, the available evidence is currently insufficient to determine the role of this variant in disease. Therefore, it has been classified as a Variant of Uncertain Significance.

Ambry Genetics
Classification: Uncertain significance for Hereditary cancer-predisposing syndrome. Last evaluated: 2021-12-22. Review status: criteria provided, single submitter. Criteria: Ambry Variant Classification Scheme 2023. Collection method: clinical testing. Allele origin: germline.
Comment: The p.S897P variant (also known as c.2689T>C), located in coding exon 13 of the BLM gene, results from a T to C substitution at nucleotide position 2689. The serine at codon 897 is replaced by proline, an amino acid with similar properties. This amino acid position is conserved. In addition, this alteration is predicted to be deleterious by in silico analysis. Since supporting evidence is limited at this time, the clinical significance of this alteration remains unclear.